The following is an entry in ClinVar:

NM_000051.4(ATM):c.6476G>T (p.Cys2159Phe)

Genes: ATM (ATM serine/threonine kinase; plus strand), C11orf65 (chromosome 11 open reading frame 65; minus strand). Cytogenetic location: 11q22.3.
Variant type: single nucleotide variant.
Coding change: c.6476G>T on transcript NM_000051.4 (MANE Select); coding-DNA position 6476, G replaced by T.
Protein change: p.Cys2159Phe; replaces cysteine 2159 with phenylalanine.
Molecular consequence: missense variant. On other transcripts: intron variant (2).
Genome position (GRCh38, 1-based): chr11:108,321,324, G>T. VCF-style: chr11-108321324-G-T. GRCh37 (hg19) VCF-style: chr11-108192051-G-T.
Other names: c.6476G>T, p.Cys2159Phe (NM_001351834.2); c.641-12253C>A (NM_001330368.2); c.*39-12253C>A (NM_001351110.2); short protein forms C2159F.
Identifiers: ClinVar variation 3893763 (VCV003893763.1).

ClinVar aggregate classification (germline): Uncertain significance (1 of 4 stars; one submission).

Conditions:
Hereditary cancer-predisposing syndrome. Also called: Neoplastic Syndromes, Hereditary; Tumor predisposition; Hereditary Cancer Syndrome; Hereditary neoplastic syndrome. Identifiers: Orphanet 140162, MedGen C0027672, MeSH D009386, MONDO:0015356.

Submission:

Color Diagnostics, LLC DBA Color Health
Classification: Uncertain significance for Hereditary cancer-predisposing syndrome. Last evaluated: 2024-05-03. Review status: criteria provided, single submitter. Criteria: ACMG Guidelines, 2015. Collection method: clinical testing. Allele origin: germline.
Comment: This missense variant replaces cysteine with phenylalanine at codon 2159 of the ATM protein. Computational prediction is inconclusive regarding the impact of this variant on protein structure and function. To our knowledge, functional studies have not been reported for this variant. This variant has not been reported in individuals affected with ATM-related disorders in the literature. This variant has not been identified in the general population by the Genome Aggregation Database (gnomAD). The available evidence is insufficient to determine the role of this variant in disease conclusively. Therefore, this variant is classified as a Variant of Uncertain Significance.